The following is an entry in ClinVar:

ClinVar aggregate classification (germline): Pathogenic. Review status: criteria provided, multiple submitters, no conflicts (2 of 4 stars). 2 submissions from 2 submitters: Pathogenic (2). Last evaluated 2024-02-24.

Conditions:
Familial adenomatous polyposis 1 (FAP1). Also called: FAMILIAL ADENOMATOUS POLYPOSIS 1, ATTENUATED; POLYPOSIS, ADENOMATOUS INTESTINAL. Identifiers: MedGen C2713442, MONDO:0021056, OMIM 175100. Disease mechanism: loss of function.

Submissions (2):

Labcorp Genetics (formerly Invitae), Labcorp
Classification: Pathogenic for Familial adenomatous polyposis 1. Last evaluated: 2024-02-24. Review status: criteria provided, single submitter. Criteria: Invitae Variant Classification Sherloc (09022015). Collection method: clinical testing. Allele origin: germline.
Comment: This sequence change creates a premature translational stop signal (p.Gln654*) in the APC gene. While this is not anticipated to result in nonsense mediated decay, it is expected to disrupt the last 2190 amino acid(s) of the APC protein. This variant is not present in population databases (gnomAD no frequency). This premature translational stop signal has been observed in individual(s) with familial adenomatous polyposis (PMID: 15446460). ClinVar contains an entry for this variant (Variation ID: 2584136). This variant is expected to disrupt the EB1 and HDLG binding sites, which mediate interactions with the cytoskeleton (PMID: 15311282, 17293347). While functional studies have not been performed to directly test the effect on APC protein function, this suggests that disruption of the C-terminal portion of the protein is functionally important. A different truncation (p.Tyr2645Lysfs*14) that lies downstream of this variant has been determined to be pathogenic (PMID: 9824584, 1316610, 27081525, 8381579, 22135120, Invitae). This suggests that deletion of this region of the APC protein is causative of disease. For these reasons, this variant has been classified as Pathogenic.

Myriad Genetics, Inc.
Classification: Pathogenic for Familial adenomatous polyposis 1. Last evaluated: 2023-05-03. Review status: criteria provided, single submitter. Criteria: Myriad Autosomal Dominant, Autosomal Recessive and X-Linked Classification Criteria (2023). Collection method: clinical testing. Allele origin: unknown.
Comment: This variant is considered pathogenic. This variant creates a termination codon and is predicted to result in premature protein truncation.

Literature cited by the submitters: PubMed 15446460 (cited by Labcorp Genetics (formerly Invitae), Labcorp); PubMed 15311282 (cited by Labcorp Genetics (formerly Invitae), Labcorp); PubMed 17293347 (cited by Labcorp Genetics (formerly Invitae), Labcorp); PubMed 9824584 (cited by Labcorp Genetics (formerly Invitae), Labcorp); PubMed 1316610 (cited by Labcorp Genetics (formerly Invitae), Labcorp); PubMed 27081525 (cited by Labcorp Genetics (formerly Invitae), Labcorp); PubMed 8381579 (cited by Labcorp Genetics (formerly Invitae), Labcorp); PubMed 22135120 (cited by Labcorp Genetics (formerly Invitae), Labcorp).

NM_000038.6(APC):c.1960C>T (p.Gln654Ter)

Gene: APC (APC regulator of Wnt signaling pathway; plus strand). Cytogenetic location: 5q22.2.
Variant type: single nucleotide variant.
Coding change: c.1960C>T on transcript NM_000038.6 (MANE Select); coding-DNA position 1960, C replaced by T.
Protein change: p.Gln654Ter; replaces glutamine 654 with a stop codon.
Molecular consequence: nonsense. On other transcripts: non-coding transcript variant (2).
Genome position (GRCh38, 1-based): chr5:112,837,554, C>T. VCF-style: chr5-112837554-C-T. GRCh37 (hg19) VCF-style: chr5-112173251-C-T.
Other names: c.1960C>T, p.Gln654Ter (NM_001127510.3, NM_001354895.2, NM_001407450.1); c.1906C>T, p.Gln636Ter (NM_001127511.3); c.2014C>T, p.Gln672Ter (NM_001354896.2, NM_001407447.1, NM_001407448.1 and 1 more transcripts); c.1990C>T, p.Gln664Ter (NM_001354897.2); c.1885C>T, p.Gln629Ter (NM_001354898.2); c.1876C>T, p.Gln626Ter (NM_001354899.2); c.1837C>T, p.Gln613Ter (NM_001354900.2); c.1783C>T, p.Gln595Ter (NM_001354901.2, NM_001407453.1); and 11 more; short protein forms Q270*, Q371*, Q494*, Q525*, Q528*, Q553*, Q563*, Q571*.
Identifiers: ClinVar variation 2584136 (VCV002584136.3), dbSNP rs755105138, ClinGen allele CA16025602.